The following is an entry in ClinVar:

NM_001271.4(CHD2):c.2555A>G (p.His852Arg)

Gene: CHD2 (chromodomain helicase DNA binding protein 2; plus strand). Cytogenetic location: 15q26.1.
Variant type: single nucleotide variant.
Coding change: c.2555A>G on transcript NM_001271.4 (MANE Select); coding-DNA position 2555, A replaced by G.
Protein change: p.His852Arg; replaces histidine 852 with arginine.
Molecular consequence: missense variant.
Genome position (GRCh38, 1-based): chr15:92,974,928, A>G. VCF-style: chr15-92974928-A-G. GRCh37 (hg19) VCF-style: chr15-93518158-A-G.
Other names: short protein forms H852R.
Identifiers: ClinVar variation 1011720 (VCV001011720.9), dbSNP rs2053887900, ClinGen allele CA393893583.

ClinVar aggregate classification (germline): Uncertain significance (1 of 4 stars; one submission).

Conditions:
Developmental and epileptic encephalopathy 94 (DEE94). Also called: CHD2-Related Neurodevelopmental Disorders; Epileptic encephalopathy, childhood-onset. Identifiers: Orphanet 1942, Orphanet 2382, MedGen C3809278, MONDO:0014150, OMIM 615369.

Allele frequency attached by ClinVar (database versions not stated): gnomAD exomes below 0.00001.
gnomAD v4.1: 1 of 1,613,784 alleles (0.000062%); highest among the groups gnomAD compares: Non-Finnish European, 0.000085%; no homozygotes.

Submission:

Labcorp Genetics (formerly Invitae), Labcorp
Classification: Uncertain significance for Developmental and epileptic encephalopathy 94. Last evaluated: 2020-07-21. Review status: criteria provided, single submitter. Criteria: Invitae Variant Classification Sherloc (09022015). Collection method: clinical testing. Allele origin: germline.
Comment: In summary, the available evidence is currently insufficient to determine the role of this variant in disease. Therefore, it has been classified as a Variant of Uncertain Significance. This sequence change replaces histidine with arginine at codon 852 of the CHD2 protein (p.His852Arg). The histidine residue is highly conserved and there is a small physicochemical difference between histidine and arginine. This variant is not present in population databases (ExAC no frequency). This variant has not been reported in the literature in individuals with CHD2-related conditions. Algorithms developed to predict the effect of missense changes on protein structure and function (SIFT, PolyPhen-2, Align-GVGD) all suggest that this variant is likely to be disruptive, but these predictions have not been confirmed by published functional studies and their clinical significance is uncertain.